The following is an entry in ClinVar:

NM_170682.4(P2RX2):c.758_759del (p.Thr253fs)

Gene: P2RX2 (purinergic receptor P2X 2; plus strand). Cytogenetic location: 12q24.33.
Variant type: Microsatellite.
Coding change: c.758_759del on transcript NM_170682.4 (MANE Select); coding-DNA positions 758 to 759, 2 bases deleted (CA; older notation c.758_759delCA).
Protein change: p.Thr253fs; shifts the reading frame from threonine 253.
Molecular consequence: frameshift variant.
Genome position (GRCh38, 1-based): chr12:132,620,567-132,620,568, CA deleted; deleting any 2 consecutive bases within chr12:132,620,565-132,620,568 gives the same sequence; the c. name uses the placement nearest the transcript's 3' end. VCF-style (leftmost placement, unchanged base first): chr12-132620564-TCA-T. GRCh37 (hg19) VCF-style: chr12-133197150-TCA-T.
Other names: c.651_652del, p.His217fs (NM_001282164.2); c.758_759del, p.Thr253fs (NM_001282165.2, NM_170683.4, NM_174873.3); c.542_543del, p.Thr181fs (NM_012226.5); c.686_687del, p.Thr229fs (NM_016318.4); c.482_483del, p.Thr161fs (NM_174872.3); short protein forms T253fs, H217fs, T161fs, T181fs, T229fs.
Identifiers: ClinVar variation 4996773 (VCV004996773.1).

ClinVar aggregate classification (germline): Uncertain significance (1 of 4 stars; one submission).

Conditions:
P2RX2-related disorder. Also called: P2RX2-related condition.

Submission:

PreventionGenetics, part of Exact Sciences
Classification: Uncertain significance for P2RX2-related condition. Last evaluated: 2025-06-18. Review status: criteria provided, single submitter. Criteria: ACMG Guidelines, 2015. Collection method: clinical testing. Allele origin: germline.
Comment: The P2RX2 c.758_759delCA variant is predicted to result in a frameshift and premature protein termination (p.Thr253Argfs*18). To our knowledge, this variant has not been reported in the literature or in a large population database (gnomAD), indicating this variant is rare. At this time, the clinical significance of this variant is uncertain due to the absence of conclusive functional and genetic evidence.